The following is an entry in ClinVar:

NM_001385001.1(MCTP2):c.1008C>T (p.Ser336=)

Gene: MCTP2 (multiple C2 and transmembrane domain containing 2; plus strand). Cytogenetic location: 15q26.2.
Variant type: single nucleotide variant.
Coding change: c.1008C>T on transcript NM_001385001.1 (MANE Select); coding-DNA position 1008, C replaced by T.
Protein change: p.Ser336=; no amino-acid change (serine 336 retained).
Molecular consequence: synonymous variant. On other transcripts: 5 prime UTR variant (1), non-coding transcript variant (7).
Genome position (GRCh38, 1-based): chr15:94,356,139, C>T. VCF-style: chr15-94356139-C-T. GRCh37 (hg19) VCF-style: chr15-94899368-C-T.
Other names: c.1008C>T, p.Ser336= (NM_001159643.2, NM_001385002.1, NM_001385003.1 and 5 more transcripts); c.-164C>T (NM_001159644.2); c.726C>T, p.Ser242= (NM_001385007.1); c.510C>T, p.Ser170= (NM_001385009.1, NM_001385010.1); c.690C>T, p.Ser230= (NM_001385011.1).
Identifiers: ClinVar variation 748458 (VCV000748458.4), dbSNP rs200476577, ClinGen allele CA7749826.

ClinVar aggregate classification (germline): Likely benign. Review status: criteria provided, single submitter (1 of 4 stars). 2 submissions from 2 submitters: Likely benign (1). 1 of the submissions does not count toward it. Last evaluated 2018-06-10.

Conditions:
MCTP2-related disorder. Also called: MCTP2-related condition.

Allele frequency attached by ClinVar (database versions not stated): ExAC 0.00002; gnomAD exomes 0.00003; gnomAD 0.00012 and 0.00014; TOPMed 0.00019; 1000 Genomes Project 0.00020; 1000 Genomes Project 30x 0.00031.
gnomAD v4.1: 26 of 1,583,188 alleles (0.0016%); highest among the groups gnomAD compares: African/African-American, 0.029%; no homozygotes.

Submissions (2):

Labcorp Genetics (formerly Invitae), Labcorp
Classification: Likely benign. Last evaluated: 2018-06-10. Review status: criteria provided, single submitter. Criteria: Invitae Variant Classification Sherloc (09022015). Collection method: clinical testing. Allele origin: germline.

PreventionGenetics, part of Exact Sciences
Classification: Likely benign for MCTP2-related condition. Last evaluated: 2024-06-24. Review status: no assertion criteria provided. Collection method: clinical testing. Allele origin: germline. Not counted in ClinVar's aggregate classification.
Comment: This variant is classified as likely benign based on ACMG/AMP sequence variant interpretation guidelines (Richards et al. 2015 PMID: 25741868, with internal and published modifications).